The following is an entry in ClinVar:

NM_002474.3(MYH11):c.1913C>T (p.Ser638Leu)

Gene: MYH11 (myosin heavy chain 11; minus strand). Cytogenetic location: 16p13.11.
Variant type: single nucleotide variant.
Coding change: c.1913C>T on transcript NM_002474.3 (MANE Select); coding-DNA position 1913, C replaced by T.
Protein change: p.Ser638Leu; replaces serine 638 with leucine.
Molecular consequence: missense variant.
Genome position (GRCh38, 1-based): chr16:15,750,283, G>A on the plus strand (C>T on the coding strand, the complement: MYH11 is on the minus strand). VCF-style: chr16-15750283-G-A. GRCh37 (hg19) VCF-style: chr16-15844140-G-A.
Other names: c.1934C>T, p.Ser645Leu (NM_001040113.2, NM_001040114.2); c.1913C>T, p.Ser638Leu (NM_022844.3); short protein forms S645L, S638L.
Identifiers: ClinVar variation 252514 (VCV000252514.26), dbSNP rs771128441, ClinGen allele CA7922468.

ClinVar aggregate classification (germline): Conflicting classifications of pathogenicity. Review status: criteria provided, conflicting classifications (1 of 4 stars). 10 submissions from 10 submitters: Uncertain significance (6); Likely benign (4). Last evaluated 2025-12-20.

Conditions:
Connective tissue disorder. Also called: Connective tissue disease. Identifiers: MedGen C0009782, MONDO:0003900.
Visceral myopathy 2. Identifiers: MedGen C5543466, MONDO:0859157, OMIM 619350.
Megacystis-microcolon-intestinal hypoperistalsis syndrome 2. Identifiers: MedGen C5543476, MONDO:0025708, OMIM 619351.
Aortic aneurysm, familial thoracic 4 (AAT4). Also called: AORTIC ANEURYSM/AORTIC DISSECTION AND PATENT DUCTUS ARTERIOSUS. Identifiers: MedGen C1851504, MONDO:0007568, OMIM 132900.
Familial thoracic aortic aneurysm and aortic dissection (TAAD). Also called: Thoracic aortic aneurysms and dissections. Identifiers: Orphanet 91387, MedGen C4707243, MONDO:0019625.

Allele frequency attached by ClinVar (database versions not stated): gnomAD 0.00005 and 0.00006; gnomAD exomes 0.00007 and 0.00010; TOPMed 0.00012; ExAC 0.00016.
gnomAD v4.1: 113 of 1,613,636 alleles (0.007%); highest among the groups gnomAD compares: Middle Eastern, 0.016%; no homozygotes.

Submissions (10):

Labcorp Genetics (formerly Invitae), Labcorp
Classification: Uncertain significance for Aortic aneurysm, familial thoracic 4. Last evaluated: 2025-12-20. Review status: criteria provided, single submitter. Criteria: Invitae Variant Classification Sherloc (09022015). Collection method: clinical testing. Allele origin: germline.
Comment: This sequence change replaces serine, which is neutral and polar, with leucine, which is neutral and non-polar, at codon 645 of the MYH11 protein (p.Ser645Leu). This variant is present in population databases (rs771128441, gnomAD 0.02%). This variant has not been reported in the literature in individuals affected with MYH11-related conditions. ClinVar contains an entry for this variant (Variation ID: 252514). An algorithm developed to predict the effect of missense changes on protein structure and function (PolyPhen-2) suggests that this variant is likely to be tolerated. In summary, the available evidence is currently insufficient to determine the role of this variant in disease. Therefore, it has been classified as a Variant of Uncertain Significance.

Color Diagnostics, LLC DBA Color Health
Classification: Likely benign for Familial thoracic aortic aneurysm and aortic dissection. Last evaluated: 2025-11-10. Review status: criteria provided, single submitter. Criteria: ACMG Guidelines, 2015. Collection method: clinical testing. Allele origin: germline.

Ambry Genetics
Classification: Uncertain significance for Familial thoracic aortic aneurysm and aortic dissection. Last evaluated: 2025-03-04. Review status: criteria provided, single submitter. Criteria: Ambry Variant Classification Scheme 2023. Collection method: clinical testing. Allele origin: germline.
Comment: The p.S638L variant (also known as c.1913C>T), located in coding exon 15 of the MYH11 gene, results from a C to T substitution at nucleotide position 1913. The serine at codon 638 is replaced by leucine, an amino acid with dissimilar properties. This amino acid position is well conserved in available vertebrate species. In addition, the in silico prediction for this alteration is inconclusive. Since supporting evidence is limited at this time, the clinical significance of this alteration remains unclear.

Blueprint Genetics
Classification: Likely benign. Last evaluated: 2024-10-03. Review status: criteria provided, single submitter. Criteria: ACMG Guidelines, 2015. Collection method: clinical testing. Allele origin: germline.

Fulgent Genetics
Classification: Uncertain significance for Aortic aneurysm, familial thoracic 4; Visceral myopathy 2; Megacystis-microcolon-intestinal hypoperistalsis syndrome 2. Last evaluated: 2024-04-29. Review status: criteria provided, single submitter. Criteria: ACMG Guidelines, 2015. Collection method: clinical testing. Allele origin: germline.

GeneDx
Classification: Uncertain significance. Last evaluated: 2023-08-21. Review status: criteria provided, single submitter. Criteria: GeneDx Variant Classification Process June 2021. Collection method: clinical testing. Allele origin: germline. Affected: yes.
Comment: Has not been previously published as pathogenic or benign in association with MYH11-related disease to our knowledge; In silico analysis supports that this missense variant does not alter protein structure/function; This variant is associated with the following publications: (PMID: 30122538, 25356899, 31867792)

Women's Health and Genetics/Laboratory Corporation of America, LabCorp
Classification: Likely benign. Last evaluated: 2023-07-10. Review status: criteria provided, single submitter. Criteria: LabCorp Variant Classification Summary - May 2015. Collection method: clinical testing. Allele origin: germline.
Comment: Variant summary: MYH11 c.1934C>T (p.Ser645Leu) results in a non-conservative amino acid change located in the Myosin head, motor domain (IPR001609) of the encoded protein sequence. Three of five in-silico tools predict a benign effect of the variant on protein function. The variant allele was found at a frequency of 0.0001 in 249428 control chromosomes (gnomAD), predominantly at a frequency of 0.00018 within the Non-Finnish European subpopulation in the gnomAD database. The observed variant frequency within Non-Finnish European control individuals in the gnomAD database is approximately 14 fold of the estimated maximal expected allele frequency for a pathogenic variant in MYH11 causing Thoracic Aortic Aneurysms And Dissections (1.3e-05), strongly suggesting that the variant is a benign polymorphism found primarily in populations of Non-Finnish European origin. To our knowledge, no occurrence of c.1934C>T in individuals affected with Thoracic Aortic Aneurysms And Dissections and no experimental evidence demonstrating its impact on protein function have been reported. Eight ClinVar submitters have assessed the variant since 2014: seven classified the variant as uncertain significance, and one as likely benign. Based on the evidence outlined above, the variant was classified as likely benign.

Baylor Genetics
Classification: Uncertain significance for Aortic aneurysm, familial thoracic 4. Last evaluated: 2018-10-19. Review status: criteria provided, single submitter. Criteria: ACMG Guidelines, 2015. Collection method: clinical testing. Allele origin: unknown. Affected: yes.
Comment: This variant was determined to be of uncertain significance according to ACMG Guidelines, 2015 [PMID:25741868].

Center for Human Genetics, Inc
Classification: Likely benign for Connective tissue disorder. Last evaluated: 2016-11-01. Review status: criteria provided, single submitter. Criteria: ACMG Guidelines, 2015. Collection method: clinical testing. Allele origin: germline. Affected: yes.

Genomic Diagnostic Laboratory, Division of Genomic Diagnostics, Children's Hospital of Philadelphia
Classification: Uncertain significance. Last evaluated: 2015-07-27. Review status: criteria provided, single submitter. Criteria: DGD Variant Analysis Guidelines. Collection method: clinical testing. Allele origin: unknown.